The following is an entry in ClinVar:

NM_152594.3(SPRED1):c.50T>C (p.Val17Ala)

Gene: SPRED1 (sprouty related EVH1 domain containing 1; plus strand). Cytogenetic location: 15q14.
Variant type: single nucleotide variant.
Coding change: c.50T>C on transcript NM_152594.3 (MANE Select); coding-DNA position 50, T replaced by C.
Protein change: p.Val17Ala; replaces valine 17 with alanine.
Molecular consequence: missense variant.
Genome position (GRCh38, 1-based): chr15:38,299,390, T>C. VCF-style: chr15-38299390-T-C. GRCh37 (hg19) VCF-style: chr15-38591591-T-C.
Other names: c.50T>C (NM_152594.2); short protein forms V17A.
Identifiers: ClinVar variation 1675562 (VCV001675562.39), dbSNP rs1421913267, ClinGen allele CA391933810.

ClinVar aggregate classification (germline): Uncertain significance. Review status: criteria provided, multiple submitters, no conflicts (2 of 4 stars). 4 submissions from 4 submitters: Uncertain significance (4). Last evaluated 2025-06-08.

Conditions:
Legius syndrome. Identifiers: Orphanet 137605, MedGen C1969623, MONDO:0012669, OMIM 611431. Disease mechanism: loss of function.
Cardiovascular phenotype. Identifiers: MedGen CN230736.

Allele frequency attached by ClinVar (database versions not stated): gnomAD exomes below 0.00001 and 0.00001; TOPMed below 0.00001.
gnomAD v4.1: 1 of 1,613,918 alleles (0.000062%); highest among the groups gnomAD compares: Admixed American, 0.0017%; no homozygotes.

Submissions (4):

Ambry Genetics
Classification: Uncertain significance for Cardiovascular phenotype. Last evaluated: 2025-06-08. Review status: criteria provided, single submitter. Criteria: Ambry Variant Classification Scheme 2023. Collection method: clinical testing. Allele origin: germline.
Comment: The p.V17A variant (also known as c.50T>C), located in coding exon 2 of the SPRED1 gene, results from a T to C substitution at nucleotide position 50. The valine at codon 17 is replaced by alanine, an amino acid with similar properties. This amino acid position is conserved. In addition, this alteration is predicted to be deleterious by in silico analysis. Based on the available evidence, the clinical significance of this variant remains unclear.

Labcorp Genetics (formerly Invitae), Labcorp
Classification: Uncertain significance for Legius syndrome. Last evaluated: 2024-02-24. Review status: criteria provided, single submitter. Criteria: Invitae Variant Classification Sherloc (09022015). Collection method: clinical testing. Allele origin: germline.
Comment: This sequence change replaces valine, which is neutral and non-polar, with alanine, which is neutral and non-polar, at codon 17 of the SPRED1 protein (p.Val17Ala). This variant is present in population databases (no rsID available, gnomAD 0.003%). This variant has not been reported in the literature in individuals affected with SPRED1-related conditions. ClinVar contains an entry for this variant (Variation ID: 1675562). Advanced modeling of protein sequence and biophysical properties (such as structural, functional, and spatial information, amino acid conservation, physicochemical variation, residue mobility, and thermodynamic stability) performed at Invitae indicates that this missense variant is expected to disrupt SPRED1 protein function with a positive predictive value of 80%. In summary, the available evidence is currently insufficient to determine the role of this variant in disease. Therefore, it has been classified as a Variant of Uncertain Significance.

St. Jude Molecular Pathology, St. Jude Children's Research Hospital
Classification: Uncertain significance for Legius syndrome. Last evaluated: 2022-11-17. Review status: criteria provided, single submitter. Criteria: St. Jude Assertion Criteria 2020. Collection method: clinical testing. Allele origin: germline.
Comment: The SPRED1 c.50T>C (p.Val17Ala) missense change has a maximum subpopulation frequency of 0.0029% in gnomAD v2.1.1. The in silico tool REVEL predicts a deleterious effect on protein function, but to our knowledge this prediction has not been confirmed by functional studies. To our knowledge, this variant has not been reported in the literature in individuals with Legius syndrome. In summary, the evidence currently available is insufficient to determine the clinical significance of this variant. It has therefore been classified as of uncertain significance.

CeGaT Center for Human Genetics Tuebingen
Classification: Uncertain significance. Last evaluated: 2022-01-01. Review status: criteria provided, single submitter. Criteria: CeGaT Center For Human Genetics Tuebingen Variant Classification Criteria Version 2. Collection method: clinical testing. Allele origin: germline. Affected: yes. Observed: 1 variant allele.